The following is an entry in ClinVar:

ClinVar aggregate classification (germline): Likely benign. Review status: criteria provided, multiple submitters, no conflicts (2 of 4 stars). 2 submissions from 2 submitters: Likely benign (2). Last evaluated 2026-02-11.

Conditions:
EP300-related disorder. Also called: EP300-related condition; EP300-related disorders.
Rubinstein-Taybi syndrome due to EP300 haploinsufficiency. Also called: EP300-Related Rubinstein-Taybi Syndrome; RUBINSTEIN-TAYBI SYNDROME 2. Identifiers: Orphanet 353284, Orphanet 783, MedGen C3150941, MONDO:0013364, OMIM 613684.

Allele frequency attached by ClinVar (database versions not stated): ExAC 0.00003; gnomAD 0.00003; ESP Exome Variant Server 0.00008.

Submissions (2):

PreventionGenetics, part of Exact Sciences
Classification: Likely benign for EP300-related condition. Last evaluated: 2026-02-11. Review status: criteria provided, single submitter. Criteria: ACMG Guidelines, 2015. Collection method: clinical testing. Allele origin: germline.
Comment: This variant is classified as likely benign based on ACMG/AMP sequence variant interpretation guidelines (Richards et al. 2015 PMID: 25741868, with internal and published modifications).

Labcorp Genetics (formerly Invitae), Labcorp
Classification: Likely benign for Rubinstein-Taybi syndrome due to EP300 haploinsufficiency. Last evaluated: 2023-12-14. Review status: criteria provided, single submitter. Criteria: Invitae Variant Classification Sherloc (09022015). Collection method: clinical testing. Allele origin: germline.

NM_001429.4(EP300):c.5567C>T (p.Thr1856Met)

Gene: EP300 (EP300 lysine acetyltransferase; plus strand). Cytogenetic location: 22q13.2.
Variant type: single nucleotide variant.
Coding change: c.5567C>T on transcript NM_001429.4 (MANE Select); coding-DNA position 5567, C replaced by T.
Protein change: p.Thr1856Met; replaces threonine 1856 with methionine.
Molecular consequence: missense variant.
Genome position (GRCh38, 1-based): chr22:41,177,278, C>T. VCF-style: chr22-41177278-C-T. GRCh37 (hg19) VCF-style: chr22-41573282-C-T.
Other names: c.5489C>T, p.Thr1830Met (NM_001362843.2); c.5567C>T (NM_001429.3); short protein forms T1830M, T1856M.
Identifiers: ClinVar variation 2727499 (VCV002727499.5), dbSNP rs373942196, ClinGen allele CA10253657.